The following is an entry in ClinVar:

ClinVar aggregate classification (germline): Uncertain significance (1 of 4 stars; one submission).

Conditions:
Cardiovascular phenotype. Identifiers: MedGen CN230736.

Submission:

Ambry Genetics
Classification: Uncertain significance for Cardiovascular phenotype. Last evaluated: 2025-07-07. Review status: criteria provided, single submitter. Criteria: Ambry Variant Classification Scheme 2023. Collection method: clinical testing. Allele origin: germline.
Comment: The p.I305L variant (also known as c.913A>C), located in coding exon 8 of the PTPN11 gene, results from an A to C substitution at nucleotide position 913. The isoleucine at codon 305 is replaced by leucine, an amino acid with highly similar properties. This amino acid position is conserved. In addition, this alteration is predicted to be deleterious by in silico analysis. Based on the available evidence, the clinical significance of this variant remains unclear.

NM_002834.5(PTPN11):c.913A>C (p.Ile305Leu)

Gene: PTPN11 (protein tyrosine phosphatase non-receptor type 11; plus strand). Cytogenetic location: 12q24.13.
Variant type: single nucleotide variant.
Coding change: c.913A>C on transcript NM_002834.5 (MANE Select); coding-DNA position 913, A replaced by C.
Protein change: p.Ile305Leu; replaces isoleucine 305 with leucine.
Molecular consequence: missense variant.
Genome position (GRCh38, 1-based): chr12:112,477,710, A>C. VCF-style: chr12-112477710-A-C. GRCh37 (hg19) VCF-style: chr12-112915514-A-C.
Other names: c.913A>C, p.Ile305Leu (NM_001330437.2, NM_080601.3); c.910A>C, p.Ile304Leu (NM_001374625.1); short protein forms I304L, I305L.
Identifiers: ClinVar variation 4147355 (VCV004147355.1).